The following is an entry in ClinVar:

ClinVar aggregate classification (germline): Uncertain significance (1 of 4 stars; one submission).

Conditions:
Congenital muscular hypertrophy-cerebral syndrome (CDLS2). Also called: Cornelia de Lange syndrome 2; SMC1A-Related Cornelia de Lange Syndrome. Identifiers: Orphanet 199, MedGen C1802395, MONDO:0010370, OMIM 300590.

Submission:

Labcorp Genetics (formerly Invitae), Labcorp
Classification: Uncertain significance for Congenital muscular hypertrophy-cerebral syndrome. Last evaluated: 2024-03-13. Review status: criteria provided, single submitter. Criteria: Invitae Variant Classification Sherloc (09022015). Collection method: clinical testing. Allele origin: germline.
Comment: This sequence change replaces aspartic acid, which is acidic and polar, with glutamic acid, which is acidic and polar, at codon 555 of the SMC1A protein (p.Asp555Glu). This variant is not present in population databases (gnomAD no frequency). This variant has not been reported in the literature in individuals affected with SMC1A-related conditions. Advanced modeling of protein sequence and biophysical properties (such as structural, functional, and spatial information, amino acid conservation, physicochemical variation, residue mobility, and thermodynamic stability) performed at Invitae indicates that this missense variant is not expected to disrupt SMC1A protein function with a negative predictive value of 80%. In summary, the available evidence is currently insufficient to determine the role of this variant in disease. Therefore, it has been classified as a Variant of Uncertain Significance.

NM_006306.4(SMC1A):c.1665C>G (p.Asp555Glu)

Gene: SMC1A (structural maintenance of chromosomes 1A; minus strand). Cytogenetic location: Xp11.22.
Variant type: single nucleotide variant.
Coding change: c.1665C>G on transcript NM_006306.4 (MANE Select); coding-DNA position 1665, C replaced by G.
Protein change: p.Asp555Glu; replaces aspartic acid 555 with glutamic acid.
Molecular consequence: missense variant.
Genome position (GRCh38, 1-based): chrX:53,405,837, G>C on the plus strand (C>G on the coding strand, the complement: SMC1A is on the minus strand). VCF-style: chrX-53405837-G-C. GRCh37 (hg19) VCF-style: chrX-53432769-G-C.
Other names: c.1599C>G, p.Asp533Glu (NM_001281463.1); short protein forms D533E, D555E.
Identifiers: ClinVar variation 2709794 (VCV002709794.3), dbSNP rs2520930403, ClinGen allele CA413253619.
Genomic context (GRCh38, chrX:53,405,837, plus strand): 5'-GTAGTCAAGAGGCAAGAAGGTCTCAGGCTCCCCACGCTGCTCCTTGATATACTGAATACA[G>C]TCCCGGCCTGTCTTCTCCGAGTCCACAATAATGGCATCCATGTTCTTGCCCAAAACCTTG-3'
Protein context (NP_006297.2, residues 545-565): IIVDSEKTGR[Asp555Glu]CIQYIKEQRG